The following is an entry in ClinVar:

ClinVar aggregate classification (germline): Likely pathogenic (1 of 4 stars; one submission).

Submission:

GeneDx
Classification: Likely pathogenic. Last evaluated: 2025-01-06. Review status: criteria provided, single submitter. Criteria: GeneDx Variant Classification Process June 2021. Collection method: clinical testing. Allele origin: germline. Affected: yes.
Comment: Not observed at significant frequency in large population cohorts (gnomAD); In silico analysis supports that this missense variant has a deleterious effect on protein structure/function; This variant is associated with the following publications: (PMID: 35982159, 35468861, 33057194)

NM_006565.4(CTCF):c.1220A>G (p.Tyr407Cys)

Gene: CTCF (CCCTC-binding factor; plus strand). Cytogenetic location: 16q22.1.
Variant type: single nucleotide variant.
Coding change: c.1220A>G on transcript NM_006565.4 (MANE Select); coding-DNA position 1220, A replaced by G.
Protein change: p.Tyr407Cys; replaces tyrosine 407 with cysteine.
Molecular consequence: missense variant.
Genome position (GRCh38, 1-based): chr16:67,621,454, A>G. VCF-style: chr16-67621454-A-G. GRCh37 (hg19) VCF-style: chr16-67655357-A-G.
Other names: c.236A>G, p.Tyr79Cys (NM_001191022.2); c.1220A>G, p.Tyr407Cys (NM_001363916.2); short protein forms Y407C, Y79C.
Identifiers: ClinVar variation 265526 (VCV000265526.3), dbSNP rs886039600, ClinGen allele CA10588621.
Genomic context (GRCh38, chr16:67,621,454, plus strand): 5'-AGTATTTATTCATTTCATTTATGTGTTCATTCTGTATTTTCTTTAAAGGGGAAAAGCCTT[A>G]TGAATGTTATATTTGTCATGCTCGGTTTACCCAAAGTGGTACCATGAAGATGCACATTTT-3'
Protein context (NP_006556.1, residues 397-417): HMRTHSGEKP[Tyr407Cys]ECYICHARFT